The following is an entry in ClinVar:

ClinVar aggregate classification (germline): Likely pathogenic (1 of 4 stars; one submission).

Submission:

Labcorp Genetics (formerly Invitae), Labcorp
Classification: Likely pathogenic. Last evaluated: 2020-12-05. Review status: criteria provided, single submitter. Criteria: Invitae Variant Classification Sherloc (09022015). Collection method: clinical testing. Allele origin: germline.
Comment: In summary, the currently available evidence indicates that the variant is pathogenic, but additional data are needed to prove that conclusively. Therefore, this variant has been classified as Likely Pathogenic. This variant disrupts the p.Pro444_Leu449 amino acid residues in COL4A4. Other variant(s) that disrupt these residues have been determined to be pathogenic (PMID: 9792860, 30745910, 25307543, 27281700). This suggests that this residue is clinically significant, and that variants that disrupt this residue are likely to be disease-causing. This variant has been observed in individual(s) with Alport syndrome (Invitae). This variant is a gross deletion of the genomic region encompassing exon(s) 9-24 of the COL4A4 gene. This variant would be expected to be in-frame, preserving the integrity of the reading frame.

Literature cited by the submitters: PubMed 9792860; PubMed 30745910; PubMed 25307543; PubMed 27281700.

NC_000002.11:g.(?_227945139)_(227976449_?)del

Gene: COL4A4 (collagen type IV alpha 4 chain; minus strand). Cytogenetic location: 2q36.3.
Variant type: Deletion.
Identifiers: ClinVar variation 1490532 (VCV001490532.6).